The following is an entry in ClinVar:

ClinVar aggregate classification (germline): Uncertain significance. Review status: criteria provided, multiple submitters, no conflicts (2 of 4 stars). 4 submissions from 4 submitters: Uncertain significance (4). Last evaluated 2024-10-31.

Conditions:
Ataxia-telangiectasia syndrome (AT). Also called: Cerebello-oculocutaneous telangiectasia; Immunodeficiency with ataxia telangiectasia; Ataxia-telangiectasia, complementation group E; Ataxia-telangiectasia, complementation group D; AT, COMPLEMENTATION GROUP C; ATAXIA-TELANGIECTASIA, COMPLEMENTATION GROUP A. Identifiers: Orphanet 100, MedGen C0004135, MONDO:0008840, OMIM 208900.
Hereditary cancer-predisposing syndrome. Also called: Hereditary Cancer Syndrome; Neoplastic Syndromes, Hereditary; Hereditary neoplastic syndrome; Tumor predisposition. Identifiers: Orphanet 140162, MedGen C0027672, MeSH D009386, MONDO:0015356.

Allele frequency attached by ClinVar (database versions not stated): gnomAD exomes below 0.00001.
gnomAD v4.1: 4 of 1,613,518 alleles (0.00025%); highest among the groups gnomAD compares: Non-Finnish European, 0.00034%; no homozygotes.

Submissions (4):

Labcorp Genetics (formerly Invitae), Labcorp
Classification: Uncertain significance for Ataxia-telangiectasia syndrome. Last evaluated: 2024-10-31. Review status: criteria provided, single submitter. Criteria: Invitae Variant Classification Sherloc (09022015). Collection method: clinical testing. Allele origin: germline.
Comment: This sequence change replaces aspartic acid, which is acidic and polar, with histidine, which is basic and polar, at codon 639 of the ATM protein (p.Asp639His). This variant is not present in population databases (gnomAD no frequency). This variant has not been reported in the literature in individuals affected with ATM-related conditions. ClinVar contains an entry for this variant (Variation ID: 820333). Invitae Evidence Modeling of protein sequence and biophysical properties (such as structural, functional, and spatial information, amino acid conservation, physicochemical variation, residue mobility, and thermodynamic stability) indicates that this missense variant is not expected to disrupt ATM protein function with a negative predictive value of 95%. In summary, the available evidence is currently insufficient to determine the role of this variant in disease. Therefore, it has been classified as a Variant of Uncertain Significance.

Color Diagnostics, LLC DBA Color Health
Classification: Uncertain significance for Hereditary cancer-predisposing syndrome. Last evaluated: 2024-03-06. Review status: criteria provided, single submitter. Criteria: ACMG Guidelines, 2015. Collection method: clinical testing. Allele origin: germline.
Comment: This missense variant replaces aspartic acid with histidine at codon 639 of the ATM protein. Computational prediction suggests that this variant may not impact protein structure and function (internally defined REVEL score threshold <= 0.5, PMID: 27666373). To our knowledge, functional studies have not been reported for this variant. This variant has not been reported in individuals affected with hereditary cancer in the literature. This variant has not been identified in the general population by the Genome Aggregation Database (gnomAD). The available evidence is insufficient to determine the role of this variant in disease conclusively. Therefore, this variant is classified as a Variant of Uncertain Significance.

Ambry Genetics
Classification: Uncertain significance for Hereditary cancer-predisposing syndrome. Last evaluated: 2023-06-12. Review status: criteria provided, single submitter. Criteria: Ambry Variant Classification Scheme 2023. Collection method: clinical testing. Allele origin: germline.
Comment: The p.D639H variant (also known as c.1915G>C), located in coding exon 12 of the ATM gene, results from a G to C substitution at nucleotide position 1915. The aspartic acid at codon 639 is replaced by histidine, an amino acid with similar properties. This amino acid position is not well conserved in available vertebrate species. In addition, this alteration is predicted to be tolerated by in silico analysis. Since supporting evidence is limited at this time, the clinical significance of this alteration remains unclear.

Women's Health and Genetics/Laboratory Corporation of America, LabCorp
Classification: Uncertain significance. Last evaluated: 2020-03-12. Review status: criteria provided, single submitter. Criteria: LabCorp Variant Classification Summary - May 2015. Collection method: clinical testing. Allele origin: germline.
Comment: Variant summary: ATM c.1915G>C (p.Asp639His) results in a non-conservative amino acid change in the encoded protein sequence. Four of five in-silico tools predict a benign effect of the variant on protein function. The variant was absent in 250850 control chromosomes. The available data on variant occurrences in the general population are insufficient to allow any conclusion about variant significance. To our knowledge, no occurrence of c.1915G>C in individuals affected with Breast Cancer and no experimental evidence demonstrating its impact on protein function have been reported. No clinical diagnostic laboratories have submitted clinical-significance assessments for this variant to ClinVar after 2014. Based on the evidence outlined above, the variant was classified as uncertain significance.

NM_000051.4(ATM):c.1915G>C (p.Asp639His)

Gene: ATM (ATM serine/threonine kinase; plus strand). Cytogenetic location: 11q22.3.
Variant type: single nucleotide variant.
Coding change: c.1915G>C on transcript NM_000051.4 (MANE Select); coding-DNA position 1915, G replaced by C.
Protein change: p.Asp639His; replaces aspartic acid 639 with histidine.
Molecular consequence: missense variant.
Genome position (GRCh38, 1-based): chr11:108,253,830, G>C. VCF-style: chr11-108253830-G-C. GRCh37 (hg19) VCF-style: chr11-108124557-G-C.
Other names: c.1915G>C, p.Asp639His (NM_001351834.2); short protein forms D639H.
Identifiers: ClinVar variation 820333 (VCV000820333.17), dbSNP rs1591533828, ClinGen allele CA382536400.